The following is an entry in ClinVar:

ClinVar aggregate classification (germline): Uncertain significance (1 of 4 stars; one submission).

Allele frequency attached by ClinVar (database versions not stated): gnomAD exomes below 0.00001; gnomAD 0.00001.
gnomAD v4.1: 3 of 1,612,098 alleles (0.00019%); highest among the groups gnomAD compares: African/African-American, 0.004%; no homozygotes.

Submission:

Labcorp Genetics (formerly Invitae), Labcorp
Classification: Uncertain significance. Last evaluated: 2024-09-15. Review status: criteria provided, single submitter. Criteria: Invitae Variant Classification Sherloc (09022015). Collection method: clinical testing. Allele origin: germline.
Comment: This sequence change replaces glycine, which is neutral and non-polar, with glutamic acid, which is acidic and polar, at codon 647 of the COL9A2 protein (p.Gly647Glu). This variant is not present in population databases (gnomAD no frequency). This variant has not been reported in the literature in individuals affected with COL9A2-related conditions. ClinVar contains an entry for this variant (Variation ID: 1418178). Invitae Evidence Modeling of protein sequence and biophysical properties (such as structural, functional, and spatial information, amino acid conservation, physicochemical variation, residue mobility, and thermodynamic stability) indicates that this missense variant is expected to disrupt COL9A2 protein function with a positive predictive value of 95%. In summary, the available evidence is currently insufficient to determine the role of this variant in disease. Therefore, it has been classified as a Variant of Uncertain Significance.

NM_001852.4(COL9A2):c.1940G>A (p.Gly647Glu)

Gene: COL9A2 (collagen type IX alpha 2 chain; minus strand). Cytogenetic location: 1p34.2.
Variant type: single nucleotide variant.
Coding change: c.1940G>A on transcript NM_001852.4 (MANE Select); coding-DNA position 1940, G replaced by A.
Protein change: p.Gly647Glu; replaces glycine 647 with glutamic acid.
Molecular consequence: missense variant.
Genome position (GRCh38, 1-based): chr1:40,301,312, C>T on the plus strand (G>A on the coding strand, the complement: COL9A2 is on the minus strand). VCF-style: chr1-40301312-C-T. GRCh37 (hg19) VCF-style: chr1-40766984-C-T.
Other names: short protein forms G647E.
Identifiers: ClinVar variation 1418178 (VCV001418178.6), dbSNP rs1403825066, ClinGen allele CA339874117.